The following is an entry in ClinVar:

ClinVar aggregate classification (germline): Uncertain significance (1 of 4 stars; one submission).

Submission:

Women's Health and Genetics/Laboratory Corporation of America, LabCorp
Classification: Uncertain significance. Last evaluated: 2025-06-20. Review status: criteria provided, single submitter. Criteria: LabCorp Variant Classification Summary - May 2015. Collection method: clinical testing. Allele origin: germline.
Comment: Variant summary: PALB2 c.-1G>T is located in the untranslated mRNA region upstream of the initiation codon. The frequency data for this variant in gnomAD is considered unreliable, as metrics indicate poor data quality at this position. To our knowledge, no occurrence of c.-1G>T in individuals affected with Hereditary Breast And Ovarian Cancer Syndrome and no experimental evidence demonstrating its impact on protein function have been reported. ClinVar contains an entry for this variant (Variation ID: 496463). Based on the evidence outlined above, the variant was classified as uncertain significance.

NM_024675.4(PALB2):c.-1G>T

Gene: PALB2 (partner and localizer of BRCA2; minus strand). Cytogenetic location: 16p12.2.
Variant type: single nucleotide variant.
Coding change: c.-1G>T on transcript NM_024675.4 (MANE Select); 1 bases upstream of the start codon, G replaced by T.
Molecular consequence: 5 prime UTR variant.
Genome position (GRCh38, 1-based): chr16:23,641,158, C>A on the plus strand (G>T on the coding strand, the complement: PALB2 is on the minus strand). VCF-style: chr16-23641158-C-A. GRCh37 (hg19) VCF-style: chr16-23652479-C-A.
Other names: c.-1G>T (NM_001407296.1, NM_001407297.1, NM_001407298.1 and 5 more transcripts); c.-1744G>T (NM_001407304.1, NM_001407310.1); c.-1020G>T (NM_001407305.1, NM_001407307.1, NM_001407309.1 and 1 more transcripts); c.-869G>T (NM_001407306.1, NM_001407308.1); c.-153G>T (NM_001407312.1, NM_001407313.1).
Identifiers: ClinVar variation 496463 (VCV000496463.2), dbSNP rs1341292125, ClinGen allele CA621336734.